The following is an entry in ClinVar:

ClinVar aggregate classification (germline): Uncertain significance (1 of 4 stars; one submission).

gnomAD v4.1: 2 of 111,612 alleles (0.0018%); highest among the groups gnomAD compares: Non-Finnish European, 0.0038%; no homozygotes.

Submission:

Greenwood Genetic Center Diagnostic Laboratories, Greenwood Genetic Center
Classification: Uncertain significance. Last evaluated: 2025-10-02. Review status: criteria provided, single submitter. Criteria: ACMG Guidelines, 2015. Collection method: clinical testing. Allele origin: germline. Affected: yes.
Comment: PM2

NM_004114.5(FGF13):c.*3431T>C

Gene: FGF13 (fibroblast growth factor 13; minus strand). Cytogenetic location: Xq26.3.
Variant type: single nucleotide variant.
Coding change: c.*3431T>C on transcript NM_004114.5 (MANE Select); 3431 bases downstream of the stop codon, T replaced by C.
Molecular consequence: 3 prime UTR variant.
Genome position (GRCh38, 1-based): chrX:138,629,419, A>G on the plus strand (T>C on the coding strand, the complement: FGF13 is on the minus strand). VCF-style: chrX-138629419-A-G. GRCh37 (hg19) VCF-style: chrX-137711580-A-G.
Other names: c.*3431T>C (NM_001139498.2, NM_001139500.2, NM_001139501.2 and 2 more transcripts).
Identifiers: ClinVar variation 4845595 (VCV004845595.1).